The following is an entry in ClinVar:

ClinVar aggregate classification (germline): Uncertain significance (1 of 4 stars; one submission).

Conditions:
Ehlers-Danlos syndrome, dermatosparaxis type. Also called: EDS VIIC; Ehlers-Danlos syndrome, type VII, autosomal recessive; Dermatosparaxis. Identifiers: Orphanet 1901, MedGen C2700425, MONDO:0009161, OMIM 225410.

Submission:

Labcorp Genetics (formerly Invitae), Labcorp
Classification: Uncertain significance for Ehlers-Danlos syndrome, dermatosparaxis type. Last evaluated: 2025-04-14. Review status: criteria provided, single submitter. Criteria: Invitae Variant Classification Sherloc (09022015). Collection method: clinical testing. Allele origin: germline.
Comment: This sequence change replaces isoleucine, which is neutral and non-polar, with threonine, which is neutral and polar, at codon 1032 of the ADAMTS2 protein (p.Ile1032Thr). This variant is not present in population databases (gnomAD no frequency). This variant has not been reported in the literature in individuals affected with ADAMTS2-related conditions. An algorithm developed to predict the effect of missense changes on protein structure and function outputs the following: PolyPhen-2: "Benign". The threonine amino acid residue is found in multiple mammalian species, which suggests that this missense change does not adversely affect protein function. In summary, the available evidence is currently insufficient to determine the role of this variant in disease. Therefore, it has been classified as a Variant of Uncertain Significance.

NM_014244.5(ADAMTS2):c.3095T>C (p.Ile1032Thr)

Gene: ADAMTS2 (ADAM metallopeptidase with thrombospondin type 1 motif 2; minus strand). Cytogenetic location: 5q35.3.
Variant type: single nucleotide variant.
Coding change: c.3095T>C on transcript NM_014244.5 (MANE Select); coding-DNA position 3095, T replaced by C.
Protein change: p.Ile1032Thr; replaces isoleucine 1032 with threonine.
Molecular consequence: missense variant.
Genome position (GRCh38, 1-based): chr5:179,121,744, A>G on the plus strand (T>C on the coding strand, the complement: ADAMTS2 is on the minus strand). VCF-style: chr5-179121744-A-G. GRCh37 (hg19) VCF-style: chr5-178548745-A-G.
Other names: short protein forms I1032T.
Identifiers: ClinVar variation 4738676 (VCV004738676.1).